The following is an entry in ClinVar:

NM_016219.5(MAN1B1):c.2064C>T (p.Thr688=)

Gene: MAN1B1 (mannosidase alpha class 1B member 1; plus strand). Cytogenetic location: 9q34.3.
Variant type: single nucleotide variant.
Coding change: c.2064C>T on transcript NM_016219.5 (MANE Select); coding-DNA position 2064, C replaced by T.
Protein change: p.Thr688=; no amino-acid change (threonine 688 retained).
Molecular consequence: synonymous variant. On other transcripts: non-coding transcript variant (2).
Genome position (GRCh38, 1-based): chr9:137,108,555, C>T. VCF-style: chr9-137108555-C-T. GRCh37 (hg19) VCF-style: chr9-140003007-C-T.
Other names: c.1956C>T, p.Thr652= (NM_007230.1).
Identifiers: ClinVar variation 2746665 (VCV002746665.2), dbSNP rs768658442, ClinGen allele CA5359551.

ClinVar aggregate classification (germline): Uncertain significance (1 of 4 stars; one submission).

Conditions:
Rafiq syndrome (RAFQS). Identifiers: Orphanet 88616, MedGen C3280127, MONDO:0013624, OMIM 614202.

Allele frequency attached by ClinVar (database versions not stated): TOPMed 0.00003; ExAC 0.00005; gnomAD 0.00005; gnomAD exomes 0.00008.
gnomAD v4.1: 123 of 1,613,770 alleles (0.0076%); highest among the groups gnomAD compares: East Asian, 0.011%; no homozygotes.

Submission:

Labcorp Genetics (formerly Invitae), Labcorp
Classification: Uncertain significance for Rafiq syndrome. Last evaluated: 2023-10-27. Review status: criteria provided, single submitter. Criteria: Invitae Variant Classification Sherloc (09022015). Collection method: clinical testing. Allele origin: germline.
Comment: This sequence change affects codon 688 of the MAN1B1 mRNA. It is a 'silent' change, meaning that it does not change the encoded amino acid sequence of the MAN1B1 protein. This variant is present in population databases (rs768658442, gnomAD 0.006%). This variant has been observed in individual(s) with clinical features of MAN1B1-related condition (PMID: 31785789; Invitae). Algorithms developed to predict the effect of sequence changes on RNA splicing suggest that this variant is not likely to affect RNA splicing. In summary, the available evidence is currently insufficient to determine the role of this variant in disease. Therefore, it has been classified as a Variant of Uncertain Significance.

Literature cited by the submitters: PubMed 31785789.